The following is an entry in ClinVar:

NM_024408.4(NOTCH2):c.2274A>C (p.Lys758Asn)

Gene: NOTCH2 (notch receptor 2; minus strand). Cytogenetic location: 1p12.
Variant type: single nucleotide variant.
Coding change: c.2274A>C on transcript NM_024408.4 (MANE Select); coding-DNA position 2274, A replaced by C.
Protein change: p.Lys758Asn; replaces lysine 758 with asparagine.
Molecular consequence: missense variant.
Genome position (GRCh38, 1-based): chr1:119,953,634, T>G on the plus strand (A>C on the coding strand, the complement: NOTCH2 is on the minus strand). VCF-style: chr1-119953634-T-G. GRCh37 (hg19) VCF-style: chr1-120496257-T-G.
Other names: c.2274A>C, p.Lys758Asn (NM_001200001.2); short protein forms K758N.
Identifiers: ClinVar variation 2200489 (VCV002200489.4), dbSNP rs1650571640, ClinGen allele CA341864615.

ClinVar aggregate classification (germline): Uncertain significance (1 of 4 stars; one submission).

Conditions:
Hajdu-Cheney syndrome (HJCYS). Also called: ACROOSTEOLYSIS WITH OSTEOPOROSIS AND CHANGES IN SKULL AND MANDIBLE; Acroosteolysis dominant type; SERPENTINE FIBULA-POLYCYSTIC KIDNEY SYNDROME. Identifiers: Orphanet 955, MedGen C0917715, MONDO:0007057, OMIM 102500.

Allele frequency attached by ClinVar (database versions not stated): gnomAD exomes below 0.00001; TOPMed below 0.00001.
gnomAD v4.1: 2 of 1,614,172 alleles (0.00012%); highest among the groups gnomAD compares: Non-Finnish European, 0.00017%; no homozygotes.

Submission:

Labcorp Genetics (formerly Invitae), Labcorp
Classification: Uncertain significance for Hajdu-Cheney syndrome. Last evaluated: 2022-09-07. Review status: criteria provided, single submitter. Criteria: Invitae Variant Classification Sherloc (09022015). Collection method: clinical testing. Allele origin: germline.
Comment: In summary, the available evidence is currently insufficient to determine the role of this variant in disease. Therefore, it has been classified as a Variant of Uncertain Significance. Advanced modeling of protein sequence and biophysical properties (such as structural, functional, and spatial information, amino acid conservation, physicochemical variation, residue mobility, and thermodynamic stability) performed at Invitae indicates that this missense variant is not expected to disrupt NOTCH2 protein function. This variant has not been reported in the literature in individuals affected with NOTCH2-related conditions. This variant is not present in population databases (gnomAD no frequency). This sequence change replaces lysine, which is basic and polar, with asparagine, which is neutral and polar, at codon 758 of the NOTCH2 protein (p.Lys758Asn).